The following is an entry in ClinVar:

NM_001126108.2(SLC12A3):c.1160T>C (p.Leu387Pro)

Gene: SLC12A3 (solute carrier family 12 member 3; plus strand). Cytogenetic location: 16q13.
Variant type: single nucleotide variant.
Coding change: c.1160T>C on transcript NM_001126108.2 (MANE Select); coding-DNA position 1160, T replaced by C.
Protein change: p.Leu387Pro; replaces leucine 387 with proline.
Molecular consequence: missense variant.
Genome position (GRCh38, 1-based): chr16:56,878,141, T>C. VCF-style: chr16-56878141-T-C. GRCh37 (hg19) VCF-style: chr16-56912053-T-C.
Other names: c.1160T>C, p.Leu387Pro (NM_000339.3); c.1157T>C, p.Leu386Pro (NM_001126107.2, NM_001410896.1); short protein forms L386P, L387P.
Identifiers: ClinVar variation 2577275 (VCV002577275.1), dbSNP rs1299551027, ClinGen allele CA395985124.

ClinVar aggregate classification (germline): Uncertain significance (1 of 4 stars; one submission).

Allele frequency attached by ClinVar (database versions not stated): gnomAD exomes below 0.00001; gnomAD 0.00001.
gnomAD v4.1: 7 of 1,587,548 alleles (0.00044%); highest among the groups gnomAD compares: African/African-American, 0.0014%; no homozygotes.

Submission:

Women's Health and Genetics/Laboratory Corporation of America, LabCorp
Classification: Uncertain significance. Last evaluated: 2023-07-11. Review status: criteria provided, single submitter. Criteria: LabCorp Variant Classification Summary - May 2015. Collection method: clinical testing. Allele origin: germline.
Comment: Variant summary: SLC12A3 c.1160T>C (p.Leu387Pro) results in a non-conservative amino acid change located in the amino acid permease/SLC12A domain (IPR004841) of the encoded protein sequence. Five of five in-silico tools predict a damaging effect of the variant on protein function. The variant was absent in 249590 control chromosomes (gnomAD). The available data on variant occurrences in the general population are insufficient to allow any conclusion about variant significance. To our knowledge, no occurrence of c.1160T>C in individuals affected with Familial Hypokalemia-Hypomagnesemia and no experimental evidence demonstrating its impact on protein function have been reported. No submitters have reported clinical-significance assessments for this variant to ClinVar after 2014. Based on the evidence outlined above, the variant was classified as uncertain significance.